The following is an entry in ClinVar:

NM_000038.6(APC):c.3352A>G (p.Asn1118Asp)

Gene: APC (APC regulator of Wnt signaling pathway; plus strand). Cytogenetic location: 5q22.2.
Variant type: single nucleotide variant.
Coding change: c.3352A>G on transcript NM_000038.6 (MANE Select); coding-DNA position 3352, A replaced by G.
Protein change: p.Asn1118Asp; replaces asparagine 1118 with aspartic acid.
Molecular consequence: missense variant.
Genome position (GRCh38, 1-based): chr5:112,838,946, A>G. VCF-style: chr5-112838946-A-G. GRCh37 (hg19) VCF-style: chr5-112174643-A-G.
Other names: p.N1118D:AAT>GAT; CCDS4107.1:c.3352A>G; c.3352A>G, p.Asn1118Asp (NM_001127510.3, NM_001354895.2); c.3298A>G, p.Asn1100Asp (NM_001127511.3); c.3406A>G, p.Asn1136Asp (NM_001354896.2); c.3382A>G, p.Asn1128Asp (NM_001354897.2); c.3277A>G, p.Asn1093Asp (NM_001354898.2); c.3268A>G, p.Asn1090Asp (NM_001354899.2); and 7 more; short protein forms N1118D, N1100D, N1077D, N1090D, N1128D, N1136D, N958D, N1017D.
Identifiers: ClinVar variation 41526 (VCV000041526.66), dbSNP rs140493115, ClinGen allele CA008306.

ClinVar aggregate classification (germline): Benign/Likely benign. Review status: criteria provided, multiple submitters, no conflicts (2 of 4 stars). 18 submissions from 18 submitters: Benign (6); Likely benign (7). 5 of the submissions do not count toward it. Last evaluated 2026-08-01.

Conditions:
APC-related disorder. Also called: APC-related condition.
APC-Associated Polyposis Disorders.
Hereditary cancer-predisposing syndrome. Also called: Neoplastic Syndromes, Hereditary; Hereditary neoplastic syndrome; Hereditary Cancer Syndrome; Tumor predisposition. Identifiers: Orphanet 140162, MedGen C0027672, MeSH D009386, MONDO:0015356.
Familial adenomatous polyposis 1 (FAP1). Also called: FAMILIAL ADENOMATOUS POLYPOSIS 1, ATTENUATED; POLYPOSIS, ADENOMATOUS INTESTINAL. Identifiers: MedGen C2713442, MONDO:0021056, OMIM 175100. Disease mechanism: loss of function.

Allele frequency attached by ClinVar (database versions not stated): gnomAD exomes 0.00020 and 0.00042; ExAC 0.00031; TOPMed 0.00017; ESP Exome Variant Server 0.00023; gnomAD 0.00021.
gnomAD v4.1: 349 of 1,614,040 alleles (0.022%); highest among the groups gnomAD compares: Non-Finnish European, 0.0032%; 3 homozygotes.

Submissions (18):

CeGaT Center for Human Genetics Tuebingen
Classification: Benign. Last evaluated: 2026-08-01. Review status: criteria provided, single submitter. Criteria: CeGaT Center For Human Genetics Tuebingen Variant Classification Criteria Version 2. Collection method: clinical testing. Allele origin: germline. Affected: yes. Observed: 24 variant alleles.
Comment: APC: BS1, BS2

Labcorp Genetics (formerly Invitae), Labcorp
Classification: Benign for Familial adenomatous polyposis 1. Last evaluated: 2026-01-31. Review status: criteria provided, single submitter. Criteria: Invitae Variant Classification Sherloc (09022015). Collection method: clinical testing. Allele origin: germline.

Center for Genomic Medicine, Rigshospitalet, Copenhagen University Hospital
Classification: Likely benign. Last evaluated: 2025-03-04. Review status: criteria provided, single submitter. Criteria: ACMG Guidelines, 2015. Collection method: clinical testing. Allele origin: germline.

Blueprint Genetics
Classification: Likely benign. Last evaluated: 2024-09-14. Review status: criteria provided, single submitter. Criteria: ACMG Guidelines, 2015. Collection method: clinical testing. Allele origin: germline.

Institute for Biomarker Research, Medical Diagnostic Laboratories, L.L.C.
Classification: Likely benign for Hereditary cancer-predisposing syndrome. Last evaluated: 2023-10-24. Review status: criteria provided, single submitter. Criteria: ACMG Guidelines, 2015. Collection method: clinical testing. Allele origin: germline.

Quest Diagnostics Nichols Institute San Juan Capistrano
Classification: Benign. Last evaluated: 2022-09-29. Review status: criteria provided, single submitter. Criteria: Quest Diagnostics criteria. Collection method: clinical testing. Allele origin: unknown.

GeneDx
Classification: Likely benign. Last evaluated: 2020-09-16. Review status: criteria provided, single submitter. Criteria: GeneDx Variant Classification Process June 2021. Collection method: clinical testing. Allele origin: germline. Affected: yes.
Comment: This variant is associated with the following publications: (PMID: 22703879, 25203624, 1338764, 15161437, 27621404, 28135145, 25231023, 15122587, 25148578, 27978560, 26373296, 22875147, 21859464, 25925381)

Sema4
Classification: Benign for Hereditary cancer-predisposing syndrome. Last evaluated: 2020-07-15. Review status: criteria provided, single submitter. Criteria: Sema4 Curation Guidelines. Collection method: curation. Allele origin: germline.

Eurofins Ntd Llc (ga)
Classification: Likely benign. Last evaluated: 2018-06-21. Review status: criteria provided, single submitter. Criteria: EGL ClinVar v180209 classification definitions. Collection method: clinical testing. Allele origin: germline. Observed: 1 variant allele, 1 heterozygote.

Women's Health and Genetics/Laboratory Corporation of America, LabCorp
Classification: Benign. Last evaluated: 2017-10-06. Review status: criteria provided, single submitter. Criteria: LabCorp Variant Classification Summary - May 2015. Collection method: clinical testing. Allele origin: germline.
Comment: Variant summary: The APC c.3352A>G (p.Asn1118Asp) variant involves the alteration of a conserved nucleotide. 4/4 in silico tools predict a benign outcome for this variant (SNPsandGO not captured due to low reliability index). This variant was found in 110/278362 control chromosomes, predominantly observed in the Ashkenazi Jewish subpopulation at a frequency of 0.009593 (97/10112). This frequency is about 134 times the estimated maximal expected allele frequency of a pathogenic APC variant (0.0000714), suggesting this is likely a benign polymorphism found primarily in the populations of Ashkenazi Jewish origin. This variant has been reported in multiple affected individuals and two families with evidence of lack of co-segregation of variant with disease (Nagase_1992 and Zhou_2004). Moreover, one colon cancer patient also carried a pathogenic BRCA2 variant c.5946del/p.S1982RfsX22 (Pearlman_2016), further supporting the benign nature of this variant. In addition, multiple clinical diagnostic laboratories/reputable databases classified this variant as benign/likely benign; one other lab classified it as VUS, all without evidence for independent evaluation. Taken together, especially considering the high MAF in controls, evidence of lack of co-segregation of variant with disease, and co-occurrence with another pathogenic variant, this variant is classified as benign.

Illumina Laboratory Services, Illumina
Classification: Likely benign for APC-Associated Polyposis Disorders. Last evaluated: 2017-04-27. Review status: criteria provided, single submitter. Criteria: ICSL Variant Classification Criteria 13 December 2019. Collection method: clinical testing. Allele origin: germline.
Comment: This variant was observed as part of a predisposition screen in an ostensibly healthy population. A literature search was performed for the gene, cDNA change, and amino acid change (where applicable). Publications were found based on this search. The evidence from the literature, in combination with allele frequency data from public databases where available, was sufficient to determine this variant is unlikely to cause disease. Therefore, this variant is classified as likely benign.

Color Diagnostics, LLC DBA Color Health
Classification: Likely benign for Hereditary cancer-predisposing syndrome. Last evaluated: 2016-03-18. Review status: criteria provided, single submitter. Criteria: ACMG Guidelines, 2015. Collection method: clinical testing. Allele origin: germline.

Ambry Genetics
Classification: Benign for Hereditary cancer-predisposing syndrome. Last evaluated: 2014-12-09. Review status: criteria provided, single submitter. Criteria: Ambry Variant Classification Scheme 2023. Collection method: clinical testing. Allele origin: germline.

PreventionGenetics, part of Exact Sciences
Classification: Likely benign for APC-related condition. Last evaluated: 2019-05-17. Review status: no assertion criteria provided. Collection method: clinical testing. Allele origin: germline. Not counted in ClinVar's aggregate classification.
Comment: This variant is classified as likely benign based on ACMG/AMP sequence variant interpretation guidelines (Richards et al. 2015 PMID: 25741868, with internal and published modifications).

True Health Diagnostics
Classification: Likely benign for Hereditary cancer-predisposing syndrome. Last evaluated: 2017-09-28. Review status: no assertion criteria provided. Collection method: clinical testing. Allele origin: germline. Not counted in ClinVar's aggregate classification.

Biesecker Lab/Clinical Genomics Section, National Institutes of Health
Classification: Uncertain significance. Last evaluated: 2012-07-13. Review status: no assertion criteria provided. Collection method: research. Allele origin: germline. Affected: no. Observed: 1 variant allele. Study: ClinSeq. Not counted in ClinVar's aggregate classification.
ClinVar note: Converted during submission from variant of unknown significance to Uncertain significance.

Department of Pathology and Laboratory Medicine, Sinai Health System
Classification: Benign. Review status: no assertion criteria provided. Collection method: clinical testing. Allele origin: unknown. Affected: yes. Study: The Canadian Open Genetics Repository (COGR). Not counted in ClinVar's aggregate classification.
Comment: The APC p.Asn1118Asp variant was identified in 5 of 1626 proband chromosomes (frequency: 0.003) from individuals or families with FAP, CRC, or atherosclerosis and was not identified in 384 control chromosomes from healthy individuals (Nagase 1992, Zhou 2004, Johnston 2012). The variant was also identified in dbSNP (ID: rs140493115) as "With other allele", in ClinVar (classified as benign by Invitae, Ambry Genetics, and Quest Diagnostics; as likely benign by GeneDx, Color Genomics, EGL, and True Health Diagnostics; as uncertain significance by Mayo Clinic and Biesecker Lab), LOVD 3.0 (classified as likely benign by one submitter and uncertain significance by one submitter). The variant was identified in control databases in 110 of 276246 chromosomes at a frequency of 0.0004 increasing the likelihood this could be a low frequency benign variant (Genome Aggregation Database Feb 27, 2017). The variant was observed in the following populations: Other in 3 of 6454 chromosomes (freq: 0.0005), Latino in 1 of 34378 chromosomes (freq: 0.00003), European Non-Finnish in 9 of 126002 chromosomes (freq: 0.00007), Ashkenazi Jewish in 97 of 10112 chromosomes (freq: 0.0096); it was not observed in the African, East Asian, Finnish, and South Asian populations. The p.Asn1118 residue is not conserved in mammals and computational analyses (PolyPhen-2, SIFT, AlignGVGD, BLOSUM, MutationTaster) do not suggest a high likelihood of impact to the protein; however, this information is not predictive enough to rule out pathogenicity. The variant occurs outside of the splicing consensus sequence and in silico or computational prediction software programs (SpliceSiteFinder, MaxEntScan, NNSPLICE, GeneSplicer) do not predict a difference in splicing. The variant was also identified in a patient with CRC and a very strong family history of CRC as well as breast-ovarian cancer where it did not co-segregate with disease, specifically 2 members with colon cancer tested negative for the variant (Zhou 2004). In addition the variant was described to not segregate well with the disease phenotype in a family with FAP and a co-occurring pathogenic APC variant (Nagase 1992). The variant has also been identified in an individual with colorectal cancer co-occurring with a pathogenic variant (BRCA2, c.5946del, p.S1982Rfs*22; Pearlman 2017). In summary, based on the above information this variant meets our laboratory's criteria to be classified as benign.

Mayo Clinic Laboratories, Mayo Clinic
Classification: Uncertain significance. Review status: no assertion criteria provided. Collection method: clinical testing. Allele origin: unknown. Not counted in ClinVar's aggregate classification.

Literature cited by the submitters: PubMed 1338764 (cited by 3 submitters); PubMed 15122587 (cited by 3 submitters); PubMed 27978560 (cited by Quest Diagnostics Nichols Institute San Juan Capistrano and Women's Health and Genetics/Laboratory Corporation of America, LabCorp); PubMed 28135145 (cited by Quest Diagnostics Nichols Institute San Juan Capistrano and Women's Health and Genetics/Laboratory Corporation of America, LabCorp); PubMed 25231023 (cited by Quest Diagnostics Nichols Institute San Juan Capistrano); PubMed 22875147 (cited by Women's Health and Genetics/Laboratory Corporation of America, LabCorp); PubMed 25186627 (cited by Women's Health and Genetics/Laboratory Corporation of America, LabCorp); PubMed 26373296 (cited by Illumina Laboratory Services, Illumina).